The following is an entry in ClinVar:

ClinVar aggregate classification (germline): Pathogenic. Review status: reviewed by expert panel (3 of 4 stars). 3 submissions from 3 submitters: Pathogenic (1). 2 of the submissions do not count toward it. Last evaluated 2025-11-29.

Conditions:
Phenylketonuria (PKU). Also called: Phenylketonuria (PKU); FOLLING DISEASE; OLIGOPHRENIA PHENYLPYRUVICA; Phenylketonurias. Identifiers: Orphanet 716, MedGen C0031485, MONDO:0009861, OMIM 261600. Disease mechanism: loss of function.

Submissions (3):

ClinGen PAH Variant Curation Expert Panel
Classification: Pathogenic for Phenylketonuria. Last evaluated: 2025-11-29. Review status: reviewed by expert panel. Criteria: ClinGen PAH ACMG Specifications v1. Collection method: curation. Allele origin: germline. Inheritance: Autosomal recessive inheritance.
Comment: The c.716G>C variant in PAH is a missense variant predicted to cause substitution of glycine by alanine at amino acid 239 (p.Gly239Ala). At least one patient with this variant displayed plasma phenylalanine concentration persistently above 120umol/L (2mg/dL) AND normal urine pterins and normal DHPR activity excluded a defect of BH4 cofactor metabolism, which is highly specific for PAH deficiency (PP4_Moderate, PMID: 9391881, 23357515, 26503515). Of those individuals, one was compound heterozygous for the variant and a pathogenic variant confirmed in trans by parental testing (PMID: 30050108). This variant is absent from gnomAD v4.1.0 (PM2_Supporting). The computational predictor REVEL gives a score of 0.983, which meets the threshold of 0.932, evidence that correlates with strong impact to PAH function (PP3_Strong). Another missense variant c.716G>A (p.Gly239Asp) [ClinVar Variation ID: 102798] in the same codon has been classified as pathogenic for PAH deficiency by the ClinGen PAH Variant Curation Expert Panel (PM5). In summary, this variant meets criteria to be classified as pathogenic for autosomal recessive PAH deficiency based on the ACMG/AMP criteria applied, as specified by the ClinGen PAH Variant Curation Expert Panel: PP4_Moderate, PM2_supporting, PM3, PM5, PP3_strong. (PAH VCEP specifications version 2.0.0; approved July 16, 2024).

Labcorp Genetics (formerly Invitae), Labcorp
Classification: Likely pathogenic for Phenylketonuria. Last evaluated: 2022-06-23. Review status: criteria provided, single submitter. Criteria: Invitae Variant Classification Sherloc (09022015). Collection method: clinical testing. Allele origin: germline. Not counted in ClinVar's aggregate classification.
Comment: In summary, the currently available evidence indicates that the variant is pathogenic, but additional data are needed to prove that conclusively. Therefore, this variant has been classified as Likely Pathogenic. This variant is not present in population databases (gnomAD no frequency). This missense change has been observed in individual(s) with PAH-related conditions (PMID: 9391881, 23357515, 26503515, 32668217). ClinVar contains an entry for this variant (Variation ID: 102799). Advanced modeling of protein sequence and biophysical properties (such as structural, functional, and spatial information, amino acid conservation, physicochemical variation, residue mobility, and thermodynamic stability) performed at Invitae indicates that this missense variant is expected to disrupt PAH protein function. Experimental studies have shown that this missense change affects PAH function (PMID: 31208052). This variant disrupts the p.Gly239 amino acid residue in PAH. Other variant(s) that disrupt this residue have been determined to be pathogenic (PMID: 16256386, 23357515, 30050108). This suggests that this residue is clinically significant, and that variants that disrupt this residue are likely to be disease-causing. This sequence change replaces glycine, which is neutral and non-polar, with alanine, which is neutral and non-polar, at codon 239 of the PAH protein (p.Gly239Ala).

DeBelle Laboratory for Biochemical Genetics, MUHC/MCH RESEARCH INSTITUTE
No classification provided. Review status: no classification provided. Collection method: not provided. Allele origin: not provided. Not counted in ClinVar's aggregate classification.

Literature cited by the submitters: PubMed 9391881 (cited by ClinGen PAH Variant Curation Expert Panel and Labcorp Genetics (formerly Invitae), Labcorp); PubMed 23357515 (cited by Labcorp Genetics (formerly Invitae), Labcorp); PubMed 26503515 (cited by Labcorp Genetics (formerly Invitae), Labcorp); PubMed 32668217 (cited by Labcorp Genetics (formerly Invitae), Labcorp); PubMed 31208052 (cited by Labcorp Genetics (formerly Invitae), Labcorp); PubMed 16256386 (cited by Labcorp Genetics (formerly Invitae), Labcorp); PubMed 30050108 (cited by Labcorp Genetics (formerly Invitae), Labcorp).

NM_000277.3(PAH):c.716G>C (p.Gly239Ala)

Gene: PAH (phenylalanine hydroxylase; minus strand). Cytogenetic location: 12q23.2.
Variant type: single nucleotide variant.
Coding change: c.716G>C on transcript NM_000277.3 (MANE Select); coding-DNA position 716, G replaced by C.
Protein change: p.Gly239Ala; replaces glycine 239 with alanine.
Molecular consequence: missense variant.
Genome position (GRCh38, 1-based): chr12:102,852,941, C>G on the plus strand (G>C on the coding strand, the complement: PAH is on the minus strand). VCF-style: chr12-102852941-C-G. GRCh37 (hg19) VCF-style: chr12-103246719-C-G.
Other names: NM_000277.1(PAH):c.716G>C; p.Gly239Ala; c.716G>C, p.Gly239Ala (NM_001354304.2); short protein forms G239A.
Identifiers: ClinVar variation 102799 (VCV000102799.5), dbSNP rs62507283, ClinGen allele CA229709.